The following is an entry in ClinVar:

ClinVar aggregate classification (germline): Uncertain significance. Review status: criteria provided, multiple submitters, no conflicts (2 of 4 stars). 2 submissions from 2 submitters: Uncertain significance (2). Last evaluated 2025-06-18.

Conditions:
Congenital insensitivity to pain-hypohidrosis syndrome. Also called: HSAN VIII; Neuropathy, hereditary sensory and autonomic, type VIII. Identifiers: Orphanet 478664, MedGen C4225308, MONDO:0014662, OMIM 616488.
Inborn genetic diseases. Identifiers: MedGen C0950123, MeSH D030342.

Allele frequency attached by ClinVar (database versions not stated): gnomAD exomes below 0.00001; gnomAD 0.00002; TOPMed 0.00005.
gnomAD v4.1: 4 of 1,603,930 alleles (0.00025%); highest among the groups gnomAD compares: African/African-American, 0.0053%; no homozygotes.

Submissions (2):

Ambry Genetics
Classification: Uncertain significance for Inborn genetic diseases. Last evaluated: 2025-06-18. Review status: criteria provided, single submitter. Criteria: Ambry Variant Classification Scheme 2023. Collection method: clinical testing. Allele origin: germline.

Labcorp Genetics (formerly Invitae), Labcorp
Classification: Uncertain significance for Congenital insensitivity to pain-hypohidrosis syndrome. Last evaluated: 2022-06-15. Review status: criteria provided, single submitter. Criteria: Invitae Variant Classification Sherloc (09022015). Collection method: clinical testing. Allele origin: germline.
Comment: In summary, the available evidence is currently insufficient to determine the role of this variant in disease. Therefore, it has been classified as a Variant of Uncertain Significance. Algorithms developed to predict the effect of missense changes on protein structure and function (SIFT, PolyPhen-2, Align-GVGD) all suggest that this variant is likely to be tolerated. This variant has not been reported in the literature in individuals affected with PRDM12-related conditions. This variant is present in population databases (no rsID available, gnomAD 0.01%). This sequence change replaces asparagine, which is neutral and polar, with serine, which is neutral and polar, at codon 43 of the PRDM12 protein (p.Asn43Ser).

NM_021619.3(PRDM12):c.128A>G (p.Asn43Ser)

Gene: PRDM12 (PR/SET domain 12; plus strand). Cytogenetic location: 9q34.12.
Variant type: single nucleotide variant.
Coding change: c.128A>G on transcript NM_021619.3 (MANE Select); coding-DNA position 128, A replaced by G.
Protein change: p.Asn43Ser; replaces asparagine 43 with serine.
Molecular consequence: missense variant.
Genome position (GRCh38, 1-based): chr9:130,664,781, A>G. VCF-style: chr9-130664781-A-G. GRCh37 (hg19) VCF-style: chr9-133540168-A-G.
Other names: c.128A>G (NM_021619.2); short protein forms N43S.
Identifiers: ClinVar variation 2198000 (VCV002198000.5), dbSNP rs1264792784, ClinGen allele CA375245628.